The following is an entry in ClinVar:

ClinVar aggregate classification (germline): Pathogenic. Review status: criteria provided, multiple submitters, no conflicts (2 of 4 stars). 2 submissions from 2 submitters: Pathogenic (2). Last evaluated 2023-03-03.

Conditions:
Baller-Gerold syndrome (BGS). Also called: CRANIOSYNOSTOSIS WITH RADIAL DEFECTS. Identifiers: Orphanet 1225, MedGen C0265308, MONDO:0009039, OMIM 218600.
Ehlers-Danlos syndrome (EDS). Identifiers: Orphanet 98249, MedGen C0013720, MONDO:0020066.

Submissions (2):

Labcorp Genetics (formerly Invitae), Labcorp
Classification: Pathogenic for Baller-Gerold syndrome. Last evaluated: 2023-03-03. Review status: criteria provided, single submitter. Criteria: Invitae Variant Classification Sherloc (09022015). Collection method: clinical testing. Allele origin: germline.
Comment: For these reasons, this variant has been classified as Pathogenic. This variant has not been reported in the literature in individuals affected with RECQL4-related conditions. This variant is not present in population databases (gnomAD no frequency). This sequence change creates a premature translational stop signal (p.Ala1045Leufs*36) in the RECQL4 gene. It is expected to result in an absent or disrupted protein product. Loss-of-function variants in RECQL4 are known to be pathogenic (PMID: 12734318, 12952869).

Cambridge Genomics Laboratory, East Genomic Laboratory Hub, NHS Genomic Medicine Service
Classification: Pathogenic for Ehlers-Danlos syndrome. Last evaluated: 2019-10-24. Review status: criteria provided, single submitter. Criteria: ACGS Best Practice Guidelines for Variant Classification in Rare Disease 2020. Collection method: clinical testing. Allele origin: germline. Affected: yes. Observed: 1 variant allele.

Literature cited by the submitters: PubMed 12734318 (cited by Labcorp Genetics (formerly Invitae), Labcorp); PubMed 12952869 (cited by Labcorp Genetics (formerly Invitae), Labcorp).

NM_004260.4(RECQL4):c.3132del (p.Ala1045fs)

Gene: RECQL4 (RecQ like helicase 4; minus strand). Cytogenetic location: 8q24.3.
Variant type: Deletion.
Coding change: c.3132del on transcript NM_004260.4 (MANE Select); coding-DNA position 3132, one base deleted (C; older notation c.3132delC).
Protein change: p.Ala1045fs; shifts the reading frame from alanine 1045.
Molecular consequence: frameshift variant. On other transcripts: non-coding transcript variant (3).
Genome position (GRCh38, 1-based): chr8:144,512,248, G deleted on the plus strand (C on the coding strand, the reverse complement: RECQL4 is on the minus strand); the first of 2 consecutive G bases (chr8:144,512,248-144,512,249); deleting either gives the same sequence. VCF-style (leftmost placement, unchanged base first): chr8-144512247-CG-C. GRCh37 (hg19) VCF-style: chr8-145737630-CG-C.
Other names: c.2838del, p.Ala947fs (NM_001413017.1); c.2934del, p.Ala979fs (NM_001413018.1); c.3207del, p.Ala1070fs (NM_001413019.1); c.3036del, p.Ala1013fs (NM_001413020.1); c.2061del, p.Ala688fs (NM_001413021.1, NM_001413022.1, NM_001413024.1 and 4 more transcripts); c.2136del, p.Ala713fs (NM_001413023.1); c.3003del, p.Ala1002fs (NM_001413025.1); c.1995del, p.Ala666fs (NM_001413027.1, NM_001413030.1, NM_001413032.1); and 9 more; short protein forms A1045fs, A1070fs, A644fs, A688fs, A691fs, A928fs, A1001fs, A1002fs.
Identifiers: ClinVar variation 2995917 (VCV002995917.4), dbSNP rs2537979860, ClinGen allele CA2740095409.